The following is an entry in ClinVar:

NM_014927.5(CNKSR2):c.2637GGA[6] (p.Glu886del)

Gene: CNKSR2 (connector enhancer of kinase suppressor of Ras 2; plus strand). Cytogenetic location: Xp22.12.
Variant type: Microsatellite.
Coding change: c.2637GGA[6] on transcript NM_014927.5 (MANE Select); six copies in a row of the 3-base unit GGA starting at c.2637; the reference has seven copies in a row; one copy, 3 bases deleted.
Protein change: p.Glu886del; deletes glutamic acid 886.
Molecular consequence: inframe deletion.
Genome position (GRCh38, 1-based): chrX:21,609,580-21,609,582, GGA deleted; deleting any 3 consecutive bases within chrX:21,609,560-21,609,582 gives the same sequence; the position shown is the placement nearest the transcript's 3' end. VCF-style (leftmost placement, unchanged base first): chrX-21609559-AGAG-A. GRCh37 (hg19) VCF-style: chrX-21627677-AGAG-A.
Other names: c.2547GGA[6], p.Glu856del (NM_001168647.3, NM_001330773.2); c.2637GGA[6], p.Glu886del (NM_001168648.3); c.2490GGA[6], p.Glu837del (NM_001168649.3, NM_001330770.2); c.2400GGA[6], p.Glu807del (NM_001330771.2, NM_001330772.2); c.2655_2657delGGA (NM_014927.4); short protein forms E807del, E886del, E856del, E837del.
Identifiers: ClinVar variation 2227390 (VCV002227390.5), dbSNP rs770084913, ClinGen allele CA10366792.

ClinVar aggregate classification (germline): Benign/Likely benign. Review status: criteria provided, multiple submitters, no conflicts (2 of 4 stars). 3 submissions from 3 submitters: Benign (1); Likely benign (1). 1 of the submissions does not count toward it. Last evaluated 2024-11-28.

Conditions:
Inborn genetic diseases. Identifiers: MedGen C0950123, MeSH D030342.
CNKSR2-related disorder. Also called: CNKSR2-related condition.

Submissions (3):

Blueprint Genetics
Classification: Likely benign. Last evaluated: 2024-11-28. Review status: criteria provided, single submitter. Criteria: ACMG Guidelines, 2015. Collection method: clinical testing. Allele origin: germline.

Ambry Genetics
Classification: Benign for Inborn genetic diseases. Last evaluated: 2021-12-07. Review status: criteria provided, single submitter. Criteria: Ambry Variant Classification Scheme 2023. Collection method: clinical testing. Allele origin: germline.

PreventionGenetics, part of Exact Sciences
Classification: Likely benign for CNKSR2-related condition. Last evaluated: 2023-01-26. Review status: no assertion criteria provided. Collection method: clinical testing. Allele origin: germline. Not counted in ClinVar's aggregate classification.
Comment: This variant is classified as likely benign based on ACMG/AMP sequence variant interpretation guidelines (Richards et al. 2015 PMID: 25741868, with internal and published modifications).